The following is an entry in ClinVar:

NM_000465.4(BARD1):c.1658C>G (p.Ser553Ter)

Gene: BARD1 (BRCA1 associated RING domain 1; minus strand). Cytogenetic location: 2q35.
Variant type: single nucleotide variant.
Coding change: c.1658C>G on transcript NM_000465.4 (MANE Select); coding-DNA position 1658, C replaced by G.
Protein change: p.Ser553Ter; replaces serine 553 with a stop codon.
Molecular consequence: nonsense. On other transcripts: non-coding transcript variant (3), intron variant (1).
Genome position (GRCh38, 1-based): chr2:214,752,466, G>C on the plus strand (C>G on the coding strand, the complement: BARD1 is on the minus strand). VCF-style: chr2-214752466-G-C. GRCh37 (hg19) VCF-style: chr2-215617190-G-C.
Other names: c.1601C>G, p.Ser534Ter (NM_001282543.2); c.305C>G, p.Ser102Ter (NM_001282545.2); c.248C>G, p.Ser83Ter (NM_001282548.2); c.365-21958C>G (NM_001282549.2); short protein forms S102*, S534*, S553*, S83*.
Identifiers: ClinVar variation 1777393 (VCV001777393.9), dbSNP rs2469377733, ClinGen allele CA350454613.

ClinVar aggregate classification (germline): Pathogenic/Likely pathogenic. Review status: criteria provided, multiple submitters, no conflicts (2 of 4 stars). 4 submissions from 4 submitters: Pathogenic (3); Likely pathogenic (1). Last evaluated 2025-11-17.

Conditions:
Hereditary breast ovarian cancer syndrome. Also called: Hereditary breast and ovarian cancer; Breast and ovarian cancer; Hereditary breast and/or ovarian cancer syndrome; Hereditary breast and ovarian cancer syndrome (HBOC); BRCA1- and BRCA2-Associated Hereditary Breast and Ovarian Cancer; Hereditary breast and ovarian cancer syndrome. Identifiers: Orphanet 145, MedGen C0677776, MeSH D061325, MONDO:0003582. Disease mechanism: loss of function.
Hereditary cancer-predisposing syndrome. Also called: Neoplastic Syndromes, Hereditary; Tumor predisposition; Hereditary Cancer Syndrome; Hereditary neoplastic syndrome. Identifiers: Orphanet 140162, MedGen C0027672, MeSH D009386, MONDO:0015356.
Familial cancer of breast. Also called: BREAST CANCER, FAMILIAL; Hereditary breast cancer; hereditary breast carcinoma. Identifiers: Orphanet 227535, MedGen C0346153, MONDO:0016419, OMIM 114480. Disease mechanism: loss of function.

Submissions (4):

Labcorp Genetics (formerly Invitae), Labcorp
Classification: Pathogenic for Familial cancer of breast. Last evaluated: 2025-11-17. Review status: criteria provided, single submitter. Criteria: Invitae Variant Classification Sherloc (09022015). Collection method: clinical testing. Allele origin: germline.
Comment: This sequence change creates a premature translational stop signal (p.Ser553*) in the BARD1 gene. It is expected to result in an absent or disrupted protein product. Loss-of-function variants in BARD1 are known to be pathogenic (PMID: 20077502, 21344236). This variant is not present in population databases (gnomAD no frequency). This variant has not been reported in the literature in individuals affected with BARD1-related conditions. ClinVar contains an entry for this variant (Variation ID: 1777393). For these reasons, this variant has been classified as Pathogenic.

Women's Health and Genetics/Laboratory Corporation of America, LabCorp
Classification: Pathogenic for Hereditary breast ovarian cancer syndrome. Last evaluated: 2024-12-23. Review status: criteria provided, single submitter. Criteria: LabCorp Variant Classification Summary - May 2015. Collection method: clinical testing. Allele origin: germline.
Comment: Variant summary: BARD1 c.1658C>G (p.Ser553X) results in a premature termination codon, predicted to cause absence of the protein due to nonsense mediated decay, which is a commonly known mechanism for disease. The variant was absent in 251328 control chromosomes. To our knowledge, no occurrence of c.1658C>G in individuals affected with Hereditary Breast And Ovarian Cancer Syndrome and no experimental evidence demonstrating its impact on protein function have been reported. ClinVar contains an entry for this variant (Variation ID: 1777393). Based on the evidence outlined above, the variant was classified as pathogenic.

Baylor Genetics
Classification: Likely pathogenic for Familial cancer of breast. Last evaluated: 2022-03-13. Review status: criteria provided, single submitter. Criteria: ACMG Guidelines, 2015. Collection method: clinical testing. Allele origin: unknown.

Ambry Genetics
Classification: Pathogenic for Hereditary cancer-predisposing syndrome. Last evaluated: 2022-01-27. Review status: criteria provided, single submitter. Criteria: Ambry Variant Classification Scheme 2023. Collection method: clinical testing. Allele origin: germline.
Comment: The p.S553* pathogenic mutation (also known as c.1658C>G), located in coding exon 7 of the BARD1 gene, results from a C to G substitution at nucleotide position 1658. This changes the amino acid from a serine to a stop codon within coding exon 7. This variant is considered to be rare based on population cohorts in the Genome Aggregation Database (gnomAD). This alteration is expected to result in loss of function by premature protein truncation or nonsense-mediated mRNA decay. As such, this alteration is interpreted as a disease-causing mutation.

Literature cited by the submitters: PubMed 20077502 (cited by Labcorp Genetics (formerly Invitae), Labcorp); PubMed 21344236 (cited by Labcorp Genetics (formerly Invitae), Labcorp).